The following is an entry in ClinVar:

NM_001034850.3(RETREG1):c.1218T>C (p.Phe406=)

Gene: RETREG1 (reticulophagy regulator 1; minus strand). Cytogenetic location: 5p15.1.
Variant type: single nucleotide variant.
Coding change: c.1218T>C on transcript NM_001034850.3 (MANE Select); coding-DNA position 1218, T replaced by C.
Protein change: p.Phe406=; no amino-acid change (phenylalanine 406 retained).
Molecular consequence: synonymous variant.
Genome position (GRCh38, 1-based): chr5:16,475,017, A>G on the plus strand (T>C on the coding strand, the complement: RETREG1 is on the minus strand). VCF-style: chr5-16475017-A-G. GRCh37 (hg19) VCF-style: chr5-16475126-A-G.
Other names: c.795T>C, p.Phe265= (NM_019000.5); c.1218T>C (NM_001034850.2).
Identifiers: ClinVar variation 1531180 (VCV001531180.9), dbSNP rs372629414, ClinGen allele CA3210230.
Genomic context (GRCh38, chr5:16,475,017, plus strand): 5'-TTTGATAGCTGCAGTCACTGCAGCTGTGATAACATCCCCAGCCAGGTTGCTCATCAGGTG[A>G]AAGGTTTGGTCACTGTTCAGAGGAAGGGTGAGACCAGCTGCTGATTGCGTCTCTTTGCTT-3'
Protein context (NP_001030022.1, residues 396-416): LTLPLNSDQT[Phe406=]HLMSNLAGDV

ClinVar aggregate classification (germline): Likely benign. Review status: criteria provided, multiple submitters, no conflicts (2 of 4 stars). 2 submissions from 2 submitters: Likely benign (2). Last evaluated 2025-10-08.

Conditions:
RETREG1-related disorder. Also called: RETREG1-related condition.

Allele frequency attached by ClinVar (database versions not stated): gnomAD 0.00001; gnomAD exomes 0.00002 and 0.00006; TOPMed 0.00002; ExAC 0.00007; ESP Exome Variant Server 0.00008.
gnomAD v4.1: 32 of 1,613,572 alleles (0.002%); highest among the groups gnomAD compares: South Asian, 0.032%; no homozygotes.

Submissions (2):

PreventionGenetics, part of Exact Sciences
Classification: Likely benign for RETREG1-related condition. Last evaluated: 2025-10-08. Review status: criteria provided, single submitter. Criteria: ACMG Guidelines, 2015. Collection method: clinical testing. Allele origin: germline.
Comment: This variant is classified as likely benign based on ACMG/AMP sequence variant interpretation guidelines (Richards et al. 2015 PMID: 25741868, with internal and published modifications).

Labcorp Genetics (formerly Invitae), Labcorp
Classification: Likely benign. Last evaluated: 2021-10-27. Review status: criteria provided, single submitter. Criteria: Invitae Variant Classification Sherloc (09022015). Collection method: clinical testing. Allele origin: germline.